The following is an entry in ClinVar:

ClinVar aggregate classification (germline): Likely benign (0 of 4 stars; one submission).

Conditions:
JAG2-related disorder. Also called: JAG2-related condition.

Allele frequency attached by ClinVar (database versions not stated): ExAC 0.00002; gnomAD 0.00003; TOPMed 0.00004; gnomAD exomes 0.00012.
gnomAD v4.1: 175 of 1,610,654 alleles (0.011%); highest among the groups gnomAD compares: Non-Finnish European, 0.015%; no homozygotes.

Submission:

PreventionGenetics, part of Exact Sciences
Classification: Likely benign for JAG2-related condition. Last evaluated: 2019-08-06. Review status: no assertion criteria provided. Collection method: clinical testing. Allele origin: germline.
Comment: This variant is classified as likely benign based on ACMG/AMP sequence variant interpretation guidelines (Richards et al. 2015 PMID: 25741868, with internal and published modifications).

NM_002226.5(JAG2):c.2394-6C>T

Gene: JAG2 (jagged canonical Notch ligand 2; minus strand). Cytogenetic location: 14q32.33.
Variant type: single nucleotide variant.
Coding change: c.2394-6C>T on transcript NM_002226.5 (MANE Select); 6 bases into the intron before coding-DNA position 2394, C replaced by T.
Molecular consequence: intron variant.
Genome position (GRCh38, 1-based): chr14:105,147,417, G>A on the plus strand (C>T on the coding strand, the complement: JAG2 is on the minus strand). VCF-style: chr14-105147417-G-A. GRCh37 (hg19) VCF-style: chr14-105613754-G-A.
Other names: c.2280-6C>T (NM_145159.3).
Identifiers: ClinVar variation 3035098 (VCV003035098.2), dbSNP rs755513842, ClinGen allele CA7385599.
Genomic context (GRCh38, chr14:105,147,417, plus strand): 5'-TGCACACTCGCAGCGGAACCAGTTGACGCCGTCAACACAGATGCCACCATTGTAGCTGCA[G>A]AGCAGAGGGTGGGCATCAGGTGGCCCCCCGTGGTATGCCAAGTCCCACCCACCCCTGCTG-3'